The following is an entry in ClinVar:

NM_015627.3(LDLRAP1):c.68G>C (p.Gly23Ala)

Genes: LDLRAP1 (low density lipoprotein receptor adaptor protein 1; plus strand), LOC129929773 (ATAC-STARR-seq lymphoblastoid silent region 456; plus strand). Cytogenetic location: 1p36.11.
Variant type: single nucleotide variant.
Coding change: c.68G>C on transcript NM_015627.3 (MANE Select); coding-DNA position 68, G replaced by C.
Protein change: p.Gly23Ala; replaces glycine 23 with alanine.
Molecular consequence: missense variant.
Genome position (GRCh38, 1-based): chr1:25,543,766, G>C. VCF-style: chr1-25543766-G-C. GRCh37 (hg19) VCF-style: chr1-25870257-G-C.
Other names: short protein forms G23A.
Identifiers: ClinVar variation 5040876 (VCV005040876.1).

ClinVar aggregate classification (germline): Uncertain significance (1 of 4 stars; one submission).

gnomAD v4.1: 4 of 1,209,804 alleles (0.00033%); highest among the groups gnomAD compares: Non-Finnish European, 0.00041%; no homozygotes.

Submission:

CeGaT Center for Human Genetics Tuebingen
Classification: Uncertain significance. Last evaluated: 2026-09-01. Review status: criteria provided, single submitter. Criteria: CeGaT Center For Human Genetics Tuebingen Variant Classification Criteria Version 2. Collection method: clinical testing. Allele origin: germline. Affected: yes. Observed: 1 variant allele.
Comment: LDLRAP1: PM2